The following is an entry in ClinVar:

NM_018344.6(SLC29A3):c.1146C>T (p.Phe382=)

Gene: SLC29A3 (solute carrier family 29 member 3; plus strand). Cytogenetic location: 10q22.1.
Variant type: single nucleotide variant.
Coding change: c.1146C>T on transcript NM_018344.6 (MANE Select); coding-DNA position 1146, C replaced by T.
Protein change: p.Phe382=; no amino-acid change (phenylalanine 382 retained).
Molecular consequence: synonymous variant. On other transcripts: 3 prime UTR variant (1), non-coding transcript variant (2).
Genome position (GRCh38, 1-based): chr10:71,362,326, C>T. VCF-style: chr10-71362326-C-T. GRCh37 (hg19) VCF-style: chr10-73122083-C-T.
Other names: c.*375C>T (NM_001174098.2); c.912C>T, p.Phe304= (NM_001363518.2).
Identifiers: ClinVar variation 198230 (VCV000198230.48), dbSNP rs148092033, ClinGen allele CA203321.

ClinVar aggregate classification (germline): Benign/Likely benign. Review status: criteria provided, multiple submitters, no conflicts (2 of 4 stars). 9 submissions from 9 submitters: Benign (1); Likely benign (5). 3 of the submissions do not count toward it. Last evaluated 2026-01-27.

Conditions:
SLC29A3-related disorder. Also called: SLC29A3-related condition.
H syndrome. Also called: Histiocytosis with joint contractures and sensorineural deafness; Pigmented hypertrichosis and insulin-dependent diabetes mellitus; FAISALABAD HISTIOCYTOSIS; HISTIOCYTOSIS AND LYMPHADENOPATHY WITH OR WITHOUT CUTANEOUS, CARDIAC, AND/OR ENDOCRINE FEATURES, JOINT CONTRACTURES, AND/OR DEAFNESS; HYPERPIGMENTATION, CUTANEOUS, WITH HYPERTRICHOSIS, HEPATOSPLENOMEGALY, HEART ANOMALIES, AND HYPOGONADISM WITH OR WITHOUT HEARING LOSS; PIGMENTED HYPERTRICHOSIS WITH INSULIN-DEPENDENT DIABETES MELLITUS. Identifiers: Orphanet 168569, MedGen C1864445, MONDO:0011273, OMIM 602782.

Allele frequency attached by ClinVar (database versions not stated): gnomAD 0.00239; TOPMed 0.00272; ESP Exome Variant Server 0.00292; 1000 Genomes Project 0.00379; 1000 Genomes Project 30x 0.00406.
gnomAD v4.1: 703 of 1,614,170 alleles (0.044%); highest among the groups gnomAD compares: African/African-American, 0.74%; 3 homozygotes.

Submissions (9):

Labcorp Genetics (formerly Invitae), Labcorp
Classification: Benign for H syndrome. Last evaluated: 2026-01-27. Review status: criteria provided, single submitter. Criteria: Invitae Variant Classification Sherloc (09022015). Collection method: clinical testing. Allele origin: germline.

Women's Health and Genetics/Laboratory Corporation of America, LabCorp
Classification: Likely benign. Last evaluated: 2026-01-23. Review status: criteria provided, single submitter. Criteria: LabCorp Variant Classification Summary - May 2015. Collection method: clinical testing. Allele origin: germline.

Blueprint Genetics
Classification: Likely benign. Last evaluated: 2024-08-20. Review status: criteria provided, single submitter. Criteria: ACMG Guidelines, 2015. Collection method: clinical testing. Allele origin: germline.

CeGaT Center for Human Genetics Tuebingen
Classification: Likely benign. Last evaluated: 2023-10-01. Review status: criteria provided, single submitter. Criteria: CeGaT Center For Human Genetics Tuebingen Variant Classification Criteria Version 2. Collection method: clinical testing. Allele origin: germline. Affected: yes. Observed: 1 variant allele.
Comment: SLC29A3: BP4, BP7, BS2

Illumina Laboratory Services, Illumina
Classification: Likely benign for H syndrome. Last evaluated: 2018-01-13. Review status: criteria provided, single submitter. Criteria: ICSL Variant Classification Criteria 13 December 2019. Collection method: clinical testing. Allele origin: germline.
Comment: This variant was observed in the ICSL laboratory as part of a predisposition screen in an ostensibly healthy population. It had not been previously curated by ICSL or reported in the Human Gene Mutation Database (HGMD: prior to June 1st, 2018), and was therefore a candidate for classification through an automated scoring system. Utilizing variant allele frequency, disease prevalence and penetrance estimates, and inheritance mode, an automated score was calculated to assess if this variant is too frequent to cause the disease. Based on the score and internal cut-off values, a variant classified as likely benign is not then subjected to further curation. The score for this variant resulted in a classification of likely benign for this disease.

Eurofins Ntd Llc (ga)
Classification: Likely benign. Last evaluated: 2015-05-20. Review status: criteria provided, single submitter. Criteria: EGL Classification Definitions 2015. Collection method: clinical testing. Allele origin: germline. Observed: 1 variant allele, 1 heterozygote.

PreventionGenetics, part of Exact Sciences
Classification: Likely benign for SLC29A3-related condition. Last evaluated: 2019-03-20. Review status: no assertion criteria provided. Collection method: clinical testing. Allele origin: germline. Not counted in ClinVar's aggregate classification.
Comment: This variant is classified as likely benign based on ACMG/AMP sequence variant interpretation guidelines (Richards et al. 2015 PMID: 25741868, with internal and published modifications).

Clinical Genetics DNA and cytogenetics Diagnostics Lab, Erasmus MC, Erasmus Medical Center
Classification: Likely benign. Review status: no assertion criteria provided. Collection method: clinical testing. Allele origin: germline. Affected: yes. Study: VKGL Data-share Consensus. Not counted in ClinVar's aggregate classification.

Genome Diagnostics Laboratory, University Medical Center Utrecht
Classification: Likely benign. Review status: no assertion criteria provided. Collection method: clinical testing. Allele origin: germline. Affected: yes. Study: VKGL Data-share Consensus. Not counted in ClinVar's aggregate classification.